The following is an entry in ClinVar:

ClinVar aggregate classification (germline): Uncertain significance (1 of 4 stars; one submission).

Conditions:
Cardiovascular phenotype. Identifiers: MedGen CN230736.

Submission:

Ambry Genetics
Classification: Uncertain significance for Cardiovascular phenotype. Last evaluated: 2025-04-05. Review status: criteria provided, single submitter. Criteria: Ambry Variant Classification Scheme 2023. Collection method: clinical testing. Allele origin: germline.
Comment: The p.E1093K variant (also known as c.3277G>A), located in coding exon 22 of the ABCA1 gene, results from a G to A substitution at nucleotide position 3277. The glutamic acid at codon 1093 is replaced by lysine, an amino acid with similar properties. This amino acid position is conserved. In addition, this alteration is predicted to be deleterious by in silico analysis. Based on the available evidence, the clinical significance of this variant remains unclear.

NM_005502.4(ABCA1):c.3277G>A (p.Glu1093Lys)

Gene: ABCA1 (ATP binding cassette subfamily A member 1; minus strand). Cytogenetic location: 9q31.1.
Variant type: single nucleotide variant.
Coding change: c.3277G>A on transcript NM_005502.4 (MANE Select); coding-DNA position 3277, G replaced by A.
Protein change: p.Glu1093Lys; replaces glutamic acid 1093 with lysine.
Molecular consequence: missense variant.
Genome position (GRCh38, 1-based): chr9:104,818,848, C>T on the plus strand (G>A on the coding strand, the complement: ABCA1 is on the minus strand). VCF-style: chr9-104818848-C-T. GRCh37 (hg19) VCF-style: chr9-107581129-C-T.
Other names: short protein forms E1093K.
Identifiers: ClinVar variation 3935092 (VCV003935092.1).